The following is an entry in ClinVar:

ClinVar aggregate classification (germline): Likely pathogenic (1 of 4 stars; one submission).

Conditions:
Cholestanol storage disease (CTX). Also called: CEREBRAL CHOLESTERINOSIS; CTX: Cerebrotendinous xanthomatosis; Cerebrotendinous Xanthomatosis. Identifiers: Orphanet 909, MedGen C0238052, MONDO:0008948, OMIM 213700.

Submission:

Myriad Genetics, Inc.
Classification: Likely pathogenic for Cholestanol storage disease. Last evaluated: 2026-08-06. Review status: criteria provided, single submitter. Criteria: Myriad Autosomal Dominant, Autosomal Recessive and X-Linked Classification Criteria (2023). Collection method: clinical testing. Allele origin: unknown.
Comment: NM_000784.3(CYP27A1):c.1476+1G>A is a variant in a canonical splice site classified as likely pathogenic in the context of cerebrotendinous xanthomatosis. c.1476+1G>A has not been observed in cases with relevant disease. Relevant functional assessments of this variant are not available in the literature. c.1476+1G>A has not been observed in referenced population frequency databases. In summary, NM_000784.3(CYP27A1):c.1476+1G>A is a variant in a canonical splice site in a gene where loss of function is a known mechanism of disease and is predicted to disrupt protein function. Please note: this variant was assessed in the context of healthy population screening.

NM_000784.4(CYP27A1):c.1476+1G>A

Gene: CYP27A1 (cytochrome P450 family 27 subfamily A member 1; plus strand). Cytogenetic location: 2q35.
Variant type: single nucleotide variant.
Coding change: c.1476+1G>A on transcript NM_000784.4 (MANE Select); the canonical splice donor site of the intron after coding-DNA position 1476, G replaced by A.
Molecular consequence: splice donor variant.
Genome position (GRCh38, 1-based): chr2:218,814,758, G>A. VCF-style: chr2-218814758-G-A. GRCh37 (hg19) VCF-style: chr2-219679481-G-A.
Identifiers: ClinVar variation 5003592 (VCV005003592.1).